The following is an entry in ClinVar:

ClinVar aggregate classification (germline): Uncertain significance. Review status: criteria provided, multiple submitters, no conflicts (2 of 4 stars). 2 submissions from 2 submitters: Uncertain significance (2). Last evaluated 2025-11-17.

Conditions:
Neurodevelopmental disorder with or without hyperkinetic movements and seizures, autosomal dominant. Also called: Intellectual disability, autosomal dominant 8. Identifiers: MedGen C3280282, MONDO:0013655, OMIM 614254.

Allele frequency attached by ClinVar (database versions not stated): gnomAD exomes below 0.00001; TOPMed 0.00002.
gnomAD v4.1: 2 of 1,613,756 alleles (0.00012%); highest among the groups gnomAD compares: Admixed American, 0.0017%; no homozygotes.

Submissions (2):

Labcorp Genetics (formerly Invitae), Labcorp
Classification: Uncertain significance for Neurodevelopmental disorder with or without hyperkinetic movements and seizures, autosomal dominant. Last evaluated: 2025-11-17. Review status: criteria provided, single submitter. Criteria: Invitae Variant Classification Sherloc (09022015). Collection method: clinical testing. Allele origin: germline.
Comment: This sequence change falls in intron 17 of the GRIN1 gene. It does not directly change the encoded amino acid sequence of the GRIN1 protein. This variant is present in population databases (no rsID available, gnomAD 0.003%). This variant has not been reported in the literature in individuals affected with GRIN1-related conditions. ClinVar contains an entry for this variant (Variation ID: 2138025). Algorithms developed to predict the effect of sequence changes on RNA splicing suggest that this variant may disrupt the consensus splice site. In summary, the available evidence is currently insufficient to determine the role of this variant in disease. Therefore, it has been classified as a Variant of Uncertain Significance.

Revvity Omics, Revvity
Classification: Uncertain significance. Last evaluated: 2022-10-14. Review status: criteria provided, single submitter. Criteria: ACMG Guidelines, 2015. Collection method: clinical testing. Allele origin: germline.

NM_007327.4(GRIN1):c.2444-16G>A

Gene: GRIN1 (glutamate ionotropic receptor NMDA type subunit 1; plus strand). Cytogenetic location: 9q34.3.
Variant type: single nucleotide variant.
Coding change: c.2444-16G>A on transcript NM_007327.4 (MANE Select); 16 bases into the intron before coding-DNA position 2444, G replaced by A.
Molecular consequence: intron variant.
Genome position (GRCh38, 1-based): chr9:137,163,743, G>A. VCF-style: chr9-137163743-G-A. GRCh37 (hg19) VCF-style: chr9-140058195-G-A.
Other names: c.2507-16G>A (NM_001185090.2, NM_001185091.2); c.2444-16G>A (NM_021569.4, NM_000832.7).
Identifiers: ClinVar variation 2138025 (VCV002138025.7), dbSNP rs896361924, ClinGen allele CA201688747.
Genomic context (GRCh38, chr9:137,163,743, plus strand): 5'-ATCCATTCTCGGGTGGGTTCTCCGTGGGCTGCGGCCTCCCTGGCCAGCAACTGAGGCTCT[G>A]GGTCCCGGCACACAGGGGTCTTCATGCTGGTAGCTGGGGGCATCGTGGCCGGGATCTTCC-3'